The following is an entry in ClinVar:

ClinVar aggregate classification (germline): Likely benign. Review status: criteria provided, single submitter (1 of 4 stars). 2 submissions from 2 submitters: Likely benign (1). 1 of the submissions does not count toward it. Last evaluated 2026-08-01.

Conditions:
HSD17B4-related disorder. Also called: HSD17B4-related disorders; HSD17B4-related condition.

Allele frequency attached by ClinVar (database versions not stated): gnomAD 0.00001; gnomAD exomes 0.00002; TOPMed 0.00004.
gnomAD v4.1: 30 of 1,387,300 alleles (0.0022%); highest among the groups gnomAD compares: Admixed American, 0.059%; no homozygotes.

Submissions (2):

CeGaT Center for Human Genetics Tuebingen
Classification: Likely benign. Last evaluated: 2026-08-01. Review status: criteria provided, single submitter. Criteria: CeGaT Center For Human Genetics Tuebingen Variant Classification Criteria Version 2. Collection method: clinical testing. Allele origin: germline. Affected: yes. Observed: 2 variant alleles.
Comment: HSD17B4: BP4, BP7

PreventionGenetics, part of Exact Sciences
Classification: Likely benign for HSD17B4-related condition. Last evaluated: 2021-09-22. Review status: no assertion criteria provided. Collection method: clinical testing. Allele origin: germline. Not counted in ClinVar's aggregate classification.
Comment: This variant is classified as likely benign based on ACMG/AMP sequence variant interpretation guidelines (Richards et al. 2015 PMID: 25741868, with internal and published modifications).

NM_000414.4(HSD17B4):c.113-2260A>G

Gene: HSD17B4 (hydroxysteroid 17-beta dehydrogenase 4; plus strand). Cytogenetic location: 5q23.1.
Variant type: single nucleotide variant.
Coding change: c.113-2260A>G on transcript NM_000414.4 (MANE Select); 2260 bases into the intron before coding-DNA position 113, A replaced by G.
Molecular consequence: intron variant. On other transcripts: synonymous variant (1), 5 prime UTR variant (3).
Genome position (GRCh38, 1-based): chr5:119,471,648, A>G. VCF-style: chr5-119471648-A-G. GRCh37 (hg19) VCF-style: chr5-118807343-A-G.
Other names: c.135A>G, p.Leu45= (NM_001199291.3); c.-13A>G (NM_001292027.2); c.-221A>G (NM_001374499.1); c.-357A>G (NM_001374503.1); c.-304-2260A>G (NM_001374502.1); c.-426-2260A>G (NM_001374500.1); c.-299-2260A>G (NM_001374501.1, NM_001292028.2); c.113-2260A>G (NM_001374498.1, NM_001374497.1); and 1 more.
Identifiers: ClinVar variation 3036040 (VCV003036040.9), dbSNP rs1037542179, ClinGen allele CA125855447.